The following is an entry in ClinVar:

ClinVar aggregate classification (germline): Uncertain significance (1 of 4 stars; one submission).

Conditions:
Dilated cardiomyopathy 1G (CMD1G). Identifiers: Orphanet 154, MedGen C1858763, MONDO:0011400, OMIM 604145.
Autosomal recessive limb-girdle muscular dystrophy type 2J (LGMDR10). Also called: MUSCULAR DYSTROPHY, LIMB-GIRDLE, AUTOSOMAL RECESSIVE 10; Limb-girdle muscular dystrophy, type 2J. Identifiers: Orphanet 140922, MedGen C1837342, MONDO:0012127, OMIM 608807.

gnomAD v4.1: 19 of 1,613,930 alleles (0.0012%); highest among the groups gnomAD compares: Non-Finnish European, 0.0016%; no homozygotes.

Submission:

Labcorp Genetics (formerly Invitae), Labcorp
Classification: Uncertain significance for Dilated cardiomyopathy 1G; Autosomal recessive limb-girdle muscular dystrophy type 2J. Last evaluated: 2023-04-05. Review status: criteria provided, single submitter. Criteria: Invitae Variant Classification Sherloc (09022015). Collection method: clinical testing. Allele origin: germline.
Comment: This variant is located in the M band of TTN (PMID: 25589632). Variants in this region may be relevant for neuromuscular disorders, but have not been definitively shown to cause cardiomyopathy (PMID: 23975875). In summary, the available evidence is currently insufficient to determine the role of this variant in disease. Therefore, it has been classified as a Variant of Uncertain Significance. Experimental studies and prediction algorithms are not available or were not evaluated, and the functional significance of this variant is currently unknown. ClinVar contains an entry for this variant (Variation ID: 2135800). This variant has not been reported in the literature in individuals affected with TTN-related conditions. This variant is present in population databases (no rsID available, gnomAD 0.0009%). This sequence change replaces arginine, which is basic and polar, with threonine, which is neutral and polar, at codon 35233 of the TTN protein (p.Arg35233Thr).

Literature cited by the submitters: PubMed 25589632; PubMed 23975875.

NM_001267550.2(TTN):c.105698G>C (p.Arg35233Thr)

Genes: TTN (titin; minus strand), TTN-AS1 (TTN antisense RNA 1; plus strand), LOC129935183 (ATAC-STARR-seq lymphoblastoid active region 16808; plus strand). Cytogenetic location: 2q31.2.
Variant type: single nucleotide variant.
Coding change: c.105698G>C on transcript NM_001267550.2 (MANE Select); coding-DNA position 105698, G replaced by C.
Protein change: p.Arg35233Thr; replaces arginine 35233 with threonine.
Molecular consequence: missense variant.
Genome position (GRCh38, 1-based): chr2:178,530,917, C>G on the plus strand (G>C on the coding strand, the complement: TTN is on the minus strand). VCF-style: chr2-178530917-C-G. GRCh37 (hg19) VCF-style: chr2-179395644-C-G.
Other names: c.100775G>C, p.Arg33592Thr (NM_001256850.1); c.78503G>C, p.Arg26168Thr (NM_003319.4); c.97994G>C, p.Arg32665Thr (NM_133378.4); c.78878G>C, p.Arg26293Thr (NM_133432.3); c.79079G>C, p.Arg26360Thr (NM_133437.4); short protein forms R26168T, R35233T, R26360T, R32665T, R26293T, R33592T.
Identifiers: ClinVar variation 2135800 (VCV002135800.4), dbSNP rs1425849774, ClinGen allele CA349408065.